The following is an entry in ClinVar:

ClinVar aggregate classification (germline): Conflicting classifications of pathogenicity. Review status: criteria provided, conflicting classifications (1 of 4 stars). 2 submissions from 2 submitters: Uncertain significance (1); Likely benign (1). Last evaluated 2024-07-08.

Allele frequency attached by ClinVar (database versions not stated): ExAC 0.00001; gnomAD 0.00004; TOPMed 0.00004; ESP Exome Variant Server 0.00008.
gnomAD v4.1: 21 of 1,613,300 alleles (0.0013%); highest among the groups gnomAD compares: East Asian, 0.0067%; no homozygotes.

Submissions (2):

Labcorp Genetics (formerly Invitae), Labcorp
Classification: Likely benign. Last evaluated: 2024-07-08. Review status: criteria provided, single submitter. Criteria: Invitae Variant Classification Sherloc (09022015). Collection method: clinical testing. Allele origin: germline.

CeGaT Center for Human Genetics Tuebingen
Classification: Uncertain significance. Last evaluated: 2023-04-01. Review status: criteria provided, single submitter. Criteria: CeGaT Center For Human Genetics Tuebingen Variant Classification Criteria Version 2. Collection method: clinical testing. Allele origin: germline. Affected: yes. Observed: 1 variant allele.
Comment: MCM3AP: PM2, BP4

NM_003906.5(MCM3AP):c.3336-7C>T

Gene: MCM3AP (minichromosome maintenance complex component 3 associated protein; minus strand). Cytogenetic location: 21q22.3.
Variant type: single nucleotide variant.
Coding change: c.3336-7C>T on transcript NM_003906.5 (MANE Select); 7 bases into the intron before coding-DNA position 3336, C replaced by T.
Molecular consequence: intron variant.
Genome position (GRCh38, 1-based): chr21:46,261,418, G>A on the plus strand (C>T on the coding strand, the complement: MCM3AP is on the minus strand). VCF-style: chr21-46261418-G-A. GRCh37 (hg19) VCF-style: chr21-47681332-G-A.
Identifiers: ClinVar variation 2652819 (VCV002652819.27), dbSNP rs372691603, ClinGen allele CA10076512.